The following is an entry in ClinVar:

NM_001164508.2(NEB):c.1478A>G (p.Tyr493Cys)

Gene: NEB (nebulin; minus strand). Cytogenetic location: 2q23.3.
Variant type: single nucleotide variant.
Coding change: c.1478A>G on transcript NM_001164508.2 (MANE Select); coding-DNA position 1478, A replaced by G.
Protein change: p.Tyr493Cys; replaces tyrosine 493 with cysteine.
Molecular consequence: missense variant.
Genome position (GRCh38, 1-based): chr2:151,696,728, T>C on the plus strand (A>G on the coding strand, the complement: NEB is on the minus strand). VCF-style: chr2-151696728-T-C. GRCh37 (hg19) VCF-style: chr2-152553242-T-C.
Other names: c.1478A>G, p.Tyr493Cys (NM_001164507.2, NM_001271208.2, NM_004543.5); short protein forms Y493C.
Identifiers: ClinVar variation 652222 (VCV000652222.46), dbSNP rs1576674181, ClinGen allele CA348825254.

ClinVar aggregate classification (germline): Uncertain significance. Review status: criteria provided, multiple submitters, no conflicts (2 of 4 stars). 2 submissions from 2 submitters: Uncertain significance (2). Last evaluated 2024-10-17.

Conditions:
Nemaline myopathy 2 (NEM2). Also called: Nemaline myopathy 2, autosomal recessive. Identifiers: MedGen C1850569, MONDO:0009725, OMIM 256030.

Allele frequency attached by ClinVar (database versions not stated): gnomAD 0.00001; gnomAD exomes 0.00001; TOPMed 0.00001.
gnomAD v4.1: 13 of 1,613,524 alleles (0.00081%); highest among the groups gnomAD compares: African/African-American, 0.0013%; no homozygotes.

Submissions (2):

Labcorp Genetics (formerly Invitae), Labcorp
Classification: Uncertain significance for Nemaline myopathy 2. Last evaluated: 2024-10-17. Review status: criteria provided, single submitter. Criteria: Invitae Variant Classification Sherloc (09022015). Collection method: clinical testing. Allele origin: germline.
Comment: This sequence change replaces tyrosine, which is neutral and polar, with cysteine, which is neutral and slightly polar, at codon 493 of the NEB protein (p.Tyr493Cys). This variant is not present in population databases (gnomAD no frequency). This variant has not been reported in the literature in individuals affected with NEB-related conditions. ClinVar contains an entry for this variant (Variation ID: 652222). Experimental studies and prediction algorithms are not available or were not evaluated, and the functional significance of this variant is currently unknown. In summary, the available evidence is currently insufficient to determine the role of this variant in disease. Therefore, it has been classified as a Variant of Uncertain Significance.

CeGaT Center for Human Genetics Tuebingen
Classification: Uncertain significance. Last evaluated: 2019-08-01. Review status: criteria provided, single submitter. Criteria: CeGaT Center For Human Genetics Tuebingen Variant Classification Criteria Version 2. Collection method: clinical testing. Allele origin: germline. Affected: yes. Observed: 3 variant alleles.